The following is an entry in ClinVar:

ClinVar aggregate classification (germline): Uncertain significance (1 of 4 stars; one submission).

Submission:

GeneDx
Classification: Uncertain significance. Last evaluated: 2022-12-13. Review status: criteria provided, single submitter. Criteria: GeneDx Variant Classification Process June 2021. Collection method: clinical testing. Allele origin: germline. Affected: yes.
Comment: Not observed at significant frequency in large population cohorts (gnomAD); In silico analysis supports that this missense variant has a deleterious effect on protein structure/function; Missense variant in a gene in which most reported pathogenic variants are truncating/loss of function; Has not been previously published as pathogenic or benign to our knowledge

NM_018136.5(ASPM):c.4034A>C (p.Lys1345Thr)

Gene: ASPM (assembly factor for spindle microtubules; minus strand). Cytogenetic location: 1q31.3.
Variant type: single nucleotide variant.
Coding change: c.4034A>C on transcript NM_018136.5 (MANE Select); coding-DNA position 4034, A replaced by C.
Protein change: p.Lys1345Thr; replaces lysine 1345 with threonine.
Molecular consequence: missense variant.
Genome position (GRCh38, 1-based): chr1:197,117,820, T>G on the plus strand (A>C on the coding strand, the complement: ASPM is on the minus strand). VCF-style: chr1-197117820-T-G. GRCh37 (hg19) VCF-style: chr1-197086950-T-G.
Other names: c.4034A>C, p.Lys1345Thr (NM_001206846.2); short protein forms K1345T.
Identifiers: ClinVar variation 2505918 (VCV002505918.1), dbSNP rs1657786300, ClinGen allele CA344036203.